The following is an entry in ClinVar:

NM_000440.3(PDE6A):c.2350G>A (p.Val784Ile)

Gene: PDE6A (phosphodiesterase 6A; minus strand). Cytogenetic location: 5q32.
Variant type: single nucleotide variant.
Coding change: c.2350G>A on transcript NM_000440.3 (MANE Select); coding-DNA position 2350, G replaced by A.
Protein change: p.Val784Ile; replaces valine 784 with isoleucine.
Molecular consequence: missense variant.
Genome position (GRCh38, 1-based): chr5:149,866,178, C>T on the plus strand (G>A on the coding strand, the complement: PDE6A is on the minus strand). VCF-style: chr5-149866178-C-T. GRCh37 (hg19) VCF-style: chr5-149245741-C-T.
Other names: short protein forms V784I.
Identifiers: ClinVar variation 905268 (VCV000905268.24), dbSNP rs746482403, ClinGen allele CA3504322.

ClinVar aggregate classification (germline): Uncertain significance. Review status: criteria provided, multiple submitters, no conflicts (2 of 4 stars). 5 submissions from 5 submitters: Uncertain significance (4). 1 of the submissions does not count toward it. Last evaluated 2025-03-20.

Conditions:
Retinitis pigmentosa (RP). Identifiers: Orphanet 791, MedGen C0035334, MeSH D012174, MONDO:0019200, OMIM 268000. Inheritance: Autosomal dominant, autosomal recessive and X linked inheritance.
Inborn genetic diseases. Identifiers: MedGen C0950123, MeSH D030342.
Retinal dystrophy. Also called: Inherited retinal dystrophy. Identifiers: Orphanet 71862, MedGen C0854723, MeSH D058499, MONDO:0019118, HP:0000556.

Allele frequency attached by ClinVar (database versions not stated): gnomAD 0.00001; gnomAD exomes 0.00002; TOPMed 0.00004.
gnomAD v4.1: 23 of 1,612,090 alleles (0.0014%); highest among the groups gnomAD compares: Admixed American, 0.0033%; no homozygotes.

Submissions (5):

Ambry Genetics
Classification: Uncertain significance for Inborn genetic diseases. Last evaluated: 2025-03-20. Review status: criteria provided, single submitter. Criteria: Ambry Variant Classification Scheme 2023. Collection method: clinical testing. Allele origin: germline.

CeGaT Center for Human Genetics Tuebingen
Classification: Uncertain significance. Last evaluated: 2024-08-01. Review status: criteria provided, single submitter. Criteria: CeGaT Center For Human Genetics Tuebingen Variant Classification Criteria Version 2. Collection method: clinical testing. Allele origin: germline. Affected: yes. Observed: 1 variant allele.
Comment: PDE6A: PM2, PP3

Labcorp Genetics (formerly Invitae), Labcorp
Classification: Uncertain significance. Last evaluated: 2022-03-04. Review status: criteria provided, single submitter. Criteria: Invitae Variant Classification Sherloc (09022015). Collection method: clinical testing. Allele origin: germline.
Comment: Algorithms developed to predict the effect of missense changes on protein structure and function (SIFT, PolyPhen-2, Align-GVGD) all suggest that this variant is likely to be disruptive. In summary, the available evidence is currently insufficient to determine the role of this variant in disease. Therefore, it has been classified as a Variant of Uncertain Significance. ClinVar contains an entry for this variant (Variation ID: 905268). This variant has not been reported in the literature in individuals affected with PDE6A-related conditions. This variant is present in population databases (rs746482403, gnomAD 0.006%). This sequence change replaces valine, which is neutral and non-polar, with isoleucine, which is neutral and non-polar, at codon 784 of the PDE6A protein (p.Val784Ile).

Illumina Laboratory Services, Illumina
Classification: Uncertain significance for Retinitis pigmentosa. Last evaluated: 2018-01-13. Review status: criteria provided, single submitter. Criteria: ICSL Variant Classification Criteria 13 December 2019. Collection method: clinical testing. Allele origin: germline.

Institute of Human Genetics, Univ. Regensburg, Univ. Regensburg
Classification: Uncertain significance for Retinal dystrophy. Last evaluated: 2020-01-01. Review status: no assertion criteria provided. Criteria: ACMG Guidelines, 2015. Collection method: clinical testing. Allele origin: germline. Affected: yes. Not counted in ClinVar's aggregate classification.